The following is an entry in ClinVar:

NM_000277.3(PAH):c.155del (p.Leu52fs)

Gene: PAH (phenylalanine hydroxylase; minus strand). Cytogenetic location: 12q23.2.
Variant type: Deletion.
Coding change: c.155del on transcript NM_000277.3 (MANE Select); coding-DNA position 155, one base deleted (T; older notation c.155delT).
Protein change: p.Leu52fs; shifts the reading frame from leucine 52.
Molecular consequence: frameshift variant.
Genome position (GRCh38, 1-based): chr12:102,912,804, A deleted on the plus strand (T on the coding strand, the reverse complement: PAH is on the minus strand); the first of 2 consecutive A bases (chr12:102,912,804-102,912,805); deleting either gives the same sequence. VCF-style (leftmost placement, unchanged base first): chr12-102912803-CA-C. GRCh37 (hg19) VCF-style: chr12-103306581-CA-C.
Other names: c.155del, p.Leu52fs (NM_001354304.2); short protein forms L52fs.
Identifiers: ClinVar variation 120310 (VCV000120310.2), dbSNP rs281865165, ClinGen allele CA267691.
Genomic context (GRCh38, chr12:102,912,803, plus strand): 5'-GAAGTTTGCTACGACATTATCCAAGACAAACATGATTGTAGCACTGACCTCAAATAAGCG[CA>C]ATACTTTGGCCAATGCACCAACTTCTTCTTTGAGTGAGAAGATCAGTGATATGGCACCAT-3'

ClinVar aggregate classification (germline): Pathogenic. Review status: reviewed by expert panel (3 of 4 stars). 2 submissions from 2 submitters: Pathogenic (1). 1 of the submissions does not count toward it. Last evaluated 2019-04-03.

Conditions:
Phenylketonuria (PKU). Also called: Phenylketonuria (PKU); FOLLING DISEASE; OLIGOPHRENIA PHENYLPYRUVICA; Phenylketonurias. Identifiers: Orphanet 716, MedGen C0031485, MONDO:0009861, OMIM 261600. Disease mechanism: loss of function.

Submissions (2):

ClinGen PAH Variant Curation Expert Panel
Classification: Pathogenic for Phenylketonuria. Last evaluated: 2019-04-03. Review status: reviewed by expert panel. Criteria: ClinGen PAH ACMG Specifications v1. Collection method: curation. Allele origin: germline. Inheritance: Autosomal recessive inheritance.
Comment: The c.155delT (p.Leu52Cysfs) is a frameshift variant in exon 2 of 13 in PAH, predicted to undergo nonsense mediated decay with the truncated region critical to protein function. It has been reported in 1 individual with PKU (BH4 deficiency not excluded), who carried a second nonsense variant in PAH (PP4; PMID: 26666653 ). This variant is absent from population databases (PM2). In summary, this variant meets our criteria to be classified as pathogenic for PAH. PAH-specific ACMG/AMP criteria applied: PVS1, PM2, PP4.

Inserm U 954, Faculté de Médecine de Nancy
No classification provided. Condition: Phenylketonuria. Review status: no classification provided. Collection method: not provided. Allele origin: unknown. Not counted in ClinVar's aggregate classification.

Literature cited by the submitters: PubMed 26666653 (cited by ClinGen PAH Variant Curation Expert Panel).